The following is an entry in ClinVar:

NM_033028.5(BBS4):c.708C>T (p.Tyr236=)

Gene: BBS4 (Bardet-Biedl syndrome 4; plus strand). Cytogenetic location: 15q24.1.
Variant type: single nucleotide variant.
Coding change: c.708C>T on transcript NM_033028.5 (MANE Select); coding-DNA position 708, C replaced by T.
Protein change: p.Tyr236=; no amino-acid change (tyrosine 236 retained).
Molecular consequence: synonymous variant. On other transcripts: non-coding transcript variant (2), intron variant (1).
Genome position (GRCh38, 1-based): chr15:72,729,681, C>T. VCF-style: chr15-72729681-C-T. GRCh37 (hg19) VCF-style: chr15-73022022-C-T.
Other names: c.192C>T, p.Tyr64= (NM_001252678.2); c.643-1624C>T (NM_001320665.2); c.708C>T (NM_033028.4).
Identifiers: ClinVar variation 1632902 (VCV001632902.9), dbSNP rs770211437, ClinGen allele CA7646729.

ClinVar aggregate classification (germline): Likely benign. Review status: criteria provided, single submitter (1 of 4 stars). 2 submissions from 2 submitters: Likely benign (1). 1 of the submissions does not count toward it. Last evaluated 2025-09-02.

Conditions:
BBS4-related disorder. Also called: BBS4-related condition.
Bardet-Biedl syndrome (BBS). Identifiers: Orphanet 110, MedGen C0752166, MONDO:0015229.

Allele frequency attached by ClinVar (database versions not stated): TOPMed below 0.00001; gnomAD exomes 0.00001; ExAC 0.00002.
gnomAD v4.1: 7 of 1,613,746 alleles (0.00043%); highest among the groups gnomAD compares: Admixed American, 0.0033%; no homozygotes.

Submissions (2):

Labcorp Genetics (formerly Invitae), Labcorp
Classification: Likely benign for Bardet-Biedl syndrome. Last evaluated: 2025-09-02. Review status: criteria provided, single submitter. Criteria: Invitae Variant Classification Sherloc (09022015). Collection method: clinical testing. Allele origin: germline.

PreventionGenetics, part of Exact Sciences
Classification: Likely benign for BBS4-related condition. Last evaluated: 2021-05-20. Review status: no assertion criteria provided. Collection method: clinical testing. Allele origin: germline. Not counted in ClinVar's aggregate classification.
Comment: This variant is classified as likely benign based on ACMG/AMP sequence variant interpretation guidelines (Richards et al. 2015 PMID: 25741868, with internal and published modifications).